The following is an entry in ClinVar:

NM_001378743.1(CYLD):c.2005del (p.Val669fs)

Genes: CYLD (CYLD lysine 63 deubiquitinase; plus strand), CYLD-AS2 (CYLD antisense RNA 2; minus strand). Cytogenetic location: 16q12.1.
Variant type: Deletion.
Coding change: c.2005del on transcript NM_001378743.1 (MANE Select); coding-DNA position 2005, one base deleted (G; older notation c.2005delG).
Protein change: p.Val669fs; shifts the reading frame from valine 669.
Molecular consequence: frameshift variant. On other transcripts: non-coding transcript variant (1).
Genome position (GRCh38, 1-based): chr16:50,786,910, G deleted; the last of 2 consecutive G bases (chr16:50,786,909-50,786,910); deleting either gives the same sequence. VCF-style (leftmost placement, unchanged base first): chr16-50786908-AG-A. GRCh37 (hg19) VCF-style: chr16-50820819-AG-A.
Other names: c.1996del, p.Val666fs (NM_001042355.2, NM_001042412.3, NM_001378744.1 and 6 more transcripts); c.1966del, p.Val656fs (NM_001378751.1, NM_001378752.1, NM_001378753.1); c.1330del, p.Val444fs (NM_001378754.1, NM_001378755.1); c.2005del, p.Val669fs (NM_015247.3); short protein forms V444fs, V656fs, V666fs, V669fs.
Identifiers: ClinVar variation 5043269 (VCV005043269.1).

ClinVar aggregate classification (germline): Pathogenic (1 of 4 stars; one submission).

Conditions:
Multiple monogenic benign skin tumours.

Submission:

Genetics Laboratory, Great Ormond Street Hospital NHS Foundation Trust, North Thames Genomic Laboratory Hub
Classification: Pathogenic for Multiple monogenic benign skin tumours. Last evaluated: 2026-09-16. Review status: criteria provided, single submitter. Criteria: ACGS Best Practice Guidelines for Variant Classification in Rare Disease 2024 v1.2. Collection method: clinical testing. Allele origin: germline. Affected: yes.
Comment: PM2_moderate, PVS1_very-strong, PP4_supporting